The following is an entry in ClinVar:

ClinVar aggregate classification (germline): Likely pathogenic (1 of 4 stars; one submission).

Conditions:
Hereditary cancer-predisposing syndrome. Also called: Neoplastic Syndromes, Hereditary; Hereditary Cancer Syndrome; Hereditary neoplastic syndrome; Tumor predisposition. Identifiers: Orphanet 140162, MedGen C0027672, MeSH D009386, MONDO:0015356.

Submission:

Ambry Genetics
Classification: Likely pathogenic for Hereditary cancer-predisposing syndrome. Last evaluated: 2023-03-16. Review status: criteria provided, single submitter. Criteria: Ambry Variant Classification Scheme 2023. Collection method: clinical testing. Allele origin: germline.
Comment: The c.2084+1G>C intronic variant results from a G to C substitution one nucleotide after coding exon 14 of the MSH3 gene. This nucleotide position is highly conserved in available vertebrate species. In silico splice site analysis predicts that this alteration will weaken the native splice donor site and will result in the creation or strengthening of a novel splice donor site. RNA studies have demonstrated that this alteration results in abnormal splicing in the set of samples tested (Ambry internal data). Alterations that disrupt the canonical splice site are expected to cause aberrant splicing, resulting in an abnormal protein or a transcript that is subject to nonsense-mediated mRNA decay. This variant is considered to be rare based on population cohorts in the Genome Aggregation Database (gnomAD). As such, this alteration is classified as likely pathogenic.

NM_002439.5(MSH3):c.2084+1G>C

Gene: MSH3 (mutS homolog 3; plus strand). Cytogenetic location: 5q14.1.
Variant type: single nucleotide variant.
Coding change: c.2084+1G>C on transcript NM_002439.5 (MANE Select); the canonical splice donor site of the intron after coding-DNA position 2084, G replaced by C.
Molecular consequence: splice donor variant.
Genome position (GRCh38, 1-based): chr5:80,768,121, G>C. VCF-style: chr5-80768121-G-C. GRCh37 (hg19) VCF-style: chr5-80063940-G-C.
Identifiers: ClinVar variation 2565629 (VCV002565629.3), dbSNP rs2112884587, ClinGen allele CA360278048.